The following is an entry in ClinVar:

NM_007294.4(BRCA1):c.80+1128C>T

Gene: BRCA1 (BRCA1 DNA repair associated; minus strand). Cytogenetic location: 17q21.31.
Variant type: single nucleotide variant.
Coding change: c.80+1128C>T on transcript NM_007294.4 (MANE Select); 1128 bases into the intron after coding-DNA position 80, C replaced by T.
Molecular consequence: intron variant.
Genome position (GRCh38, 1-based): chr17:43,122,889, G>A on the plus strand (C>T on the coding strand, the complement: BRCA1 is on the minus strand). VCF-style: chr17-43122889-G-A. GRCh37 (hg19) VCF-style: chr17-41274906-G-A.
Other names: IVS 2+1128C>T; c.-61-7110C>T (NM_001408458.1); c.-219+2388C>T (NM_001407967.1); c.-170+2388C>T (NM_001407959.1); c.-8+2388C>T (NM_001407931.1, NM_001407747.1); c.-224+2388C>T (NM_001407962.1, NM_001408512.1, NM_001408510.1); c.-109+2388C>T (NM_001407885.1); c.-62+2388C>T (NM_001408470.1, NM_001407848.1, NM_001407839.1 and 6 more transcripts); and 24 more.
Identifiers: ClinVar variation 209568 (VCV000209568.2), dbSNP rs799903, ClinGen allele CA276537.

ClinVar aggregate classification (germline): Benign (3 of 4 stars; one submission).

Conditions:
Breast-ovarian cancer, familial, susceptibility to, 1 (BROVCA1). Also called: BRCA1 Hereditary Breast and Ovarian Cancer; OVARIAN CANCER, SUSCEPTIBILITY TO. Identifiers: Orphanet 145, MedGen C2676676, MONDO:0011450, OMIM 604370. Disease mechanism: loss of function.

Allele frequency attached by ClinVar (database versions not stated): gnomAD 0.48308 and 0.48622; TOPMed 0.49379; 1000 Genomes Project 0.54273; 1000 Genomes Project 30x 0.54794.
gnomAD v4.1: 71,359 of 148,194 alleles (48%); highest among the groups gnomAD compares: African/African-American, 80%; 20,001 homozygotes.

Submission:

Evidence-based Network for the Interpretation of Germline Mutant Alleles (ENIGMA)
Classification: Benign for Breast-ovarian cancer, familial 1. Last evaluated: 2015-01-12. Review status: reviewed by expert panel. Criteria: ENIGMA BRCA1/2 Classification Criteria (2015). Collection method: curation. Allele origin: germline.
Comment: Class 1 not pathogenic based on frequency >1% in an outbred sampleset. Frequency 0.3129 (Asian), 0.1768 (African), 0.3522 (European), derived from 1000 genomes (2012-04-30).